The following is an entry in ClinVar:

NM_014236.4(GNPAT):c.838A>G (p.Ile280Val)

Gene: GNPAT (glyceronephosphate O-acyltransferase; plus strand). Cytogenetic location: 1q42.2.
Variant type: single nucleotide variant.
Coding change: c.838A>G on transcript NM_014236.4 (MANE Select); coding-DNA position 838, A replaced by G.
Protein change: p.Ile280Val; replaces isoleucine 280 with valine.
Molecular consequence: missense variant.
Genome position (GRCh38, 1-based): chr1:231,266,079, A>G. VCF-style: chr1-231266079-A-G. GRCh37 (hg19) VCF-style: chr1-231401825-A-G.
Other names: c.655A>G, p.Ile219Val (NM_001316350.2); short protein forms I219V, I280V.
Identifiers: ClinVar variation 1393084 (VCV001393084.4), dbSNP rs569007539, ClinGen allele CA1451896.

ClinVar aggregate classification (germline): Uncertain significance. Review status: criteria provided, multiple submitters, no conflicts (2 of 4 stars). 2 submissions from 2 submitters: Uncertain significance (2). Last evaluated 2024-04-08.

Allele frequency attached by ClinVar (database versions not stated): gnomAD 0.00001; TOPMed 0.00004; gnomAD exomes 0.00006 and 0.00012; ExAC 0.00010; 1000 Genomes Project 30x 0.00031; 1000 Genomes Project 0.00040.

Submissions (2):

Blueprint Genetics
Classification: Uncertain significance. Last evaluated: 2024-04-08. Review status: criteria provided, single submitter. Criteria: ACMG Guidelines, 2015. Collection method: clinical testing. Allele origin: germline.

Labcorp Genetics (formerly Invitae), Labcorp
Classification: Uncertain significance. Last evaluated: 2021-11-09. Review status: criteria provided, single submitter. Criteria: Invitae Variant Classification Sherloc (09022015). Collection method: clinical testing. Allele origin: germline.
Comment: This sequence change replaces isoleucine, which is neutral and non-polar, with valine, which is neutral and non-polar, at codon 280 of the GNPAT protein (p.Ile280Val). This variant is present in population databases (rs569007539, gnomAD 0.1%). This variant has not been reported in the literature in individuals affected with GNPAT-related conditions. Algorithms developed to predict the effect of missense changes on protein structure and function (SIFT, PolyPhen-2, Align-GVGD) all suggest that this variant is likely to be tolerated. Algorithms developed to predict the effect of sequence changes on RNA splicing suggest that this variant may create or strengthen a splice site. In summary, the available evidence is currently insufficient to determine the role of this variant in disease. Therefore, it has been classified as a Variant of Uncertain Significance.